The following is an entry in ClinVar:

ClinVar aggregate classification (germline): Uncertain significance (1 of 4 stars; one submission).

Conditions:
Atypical glycine encephalopathy. Also called: Glycine encephalopathy with normal serum glycine. Identifiers: Orphanet 289863, MedGen C4310943, MONDO:0015010, OMIM 617301.

Allele frequency attached by ClinVar (database versions not stated): gnomAD exomes below 0.00001.
gnomAD v4.1: 8 of 1,612,084 alleles (0.0005%); highest among the groups gnomAD compares: South Asian, 0.0033%; no homozygotes.

Submission:

Labcorp Genetics (formerly Invitae), Labcorp
Classification: Uncertain significance for Atypical glycine encephalopathy. Last evaluated: 2022-09-01. Review status: criteria provided, single submitter. Criteria: Invitae Variant Classification Sherloc (09022015). Collection method: clinical testing. Allele origin: germline.
Comment: This sequence change falls in intron 9 of the SLC6A9 gene. It does not directly change the encoded amino acid sequence of the SLC6A9 protein. It affects a nucleotide within the consensus splice site. This variant is present in population databases (no rsID available, gnomAD 0.003%). This variant has not been reported in the literature in individuals affected with SLC6A9-related conditions. Variants that disrupt the consensus splice site are a relatively common cause of aberrant splicing (PMID: 17576681, 9536098). Algorithms developed to predict the effect of sequence changes on RNA splicing suggest that this variant may disrupt the consensus splice site. In summary, the available evidence is currently insufficient to determine the role of this variant in disease. Therefore, it has been classified as a Variant of Uncertain Significance.

Literature cited by the submitters: PubMed 17576681; PubMed 9536098.

NM_001024845.3(SLC6A9):c.1200+5G>A

Gene: SLC6A9 (solute carrier family 6 member 9; minus strand). Cytogenetic location: 1p34.1.
Variant type: single nucleotide variant.
Coding change: c.1200+5G>A on transcript NM_001024845.3 (MANE Select); 5 bases into the intron after coding-DNA position 1200, G replaced by A.
Molecular consequence: intron variant.
Genome position (GRCh38, 1-based): chr1:44,001,385, C>T on the plus strand (G>A on the coding strand, the complement: SLC6A9 is on the minus strand). VCF-style: chr1-44001385-C-T. GRCh37 (hg19) VCF-style: chr1-44467057-C-T.
Other names: c.867+5G>A (NM_001328630.2, NM_001328626.2); c.1200+5G>A (NM_001328629.1); c.1005+5G>A (NM_001328628.1); c.1137+5G>A (NM_001328627.1); c.1212+5G>A (NM_001261380.2); c.1257+5G>A (NM_006934.4); c.1419+5G>A (NM_201649.4).
Identifiers: ClinVar variation 1945677 (VCV001945677.2), dbSNP rs748426005, ClinGen allele CA21712439.